The following is an entry in ClinVar:

NM_003072.5(SMARCA4):c.1880T>C (p.Ile627Thr)

Gene: SMARCA4 (SWI/SNF related BAF chromatin remodeling complex subunit ATPase 4; plus strand). Cytogenetic location: 19p13.2.
Variant type: single nucleotide variant.
Coding change: c.1880T>C on transcript NM_003072.5 (MANE Select); coding-DNA position 1880, T replaced by C.
Protein change: p.Ile627Thr; replaces isoleucine 627 with threonine.
Molecular consequence: missense variant. On other transcripts: non-coding transcript variant (1).
Genome position (GRCh38, 1-based): chr19:11,003,096, T>C. VCF-style: chr19-11003096-T-C. GRCh37 (hg19) VCF-style: chr19-11113772-T-C.
Other names: c.1880T>C, p.Ile627Thr (NM_001128844.3, NM_001128845.2, NM_001128846.2 and 5 more transcripts); short protein forms I627T.
Identifiers: ClinVar variation 1039250 (VCV001039250.10), dbSNP rs2087810954, ClinGen allele CA404051571.

ClinVar aggregate classification (germline): Uncertain significance (1 of 4 stars; one submission).

Conditions:
Rhabdoid tumor predisposition syndrome 2 (RTPS2). Identifiers: Orphanet 231108, Orphanet 69077, MedGen C2750074, MONDO:0013224, OMIM 613325.

Submission:

Labcorp Genetics (formerly Invitae), Labcorp
Classification: Uncertain significance for Rhabdoid tumor predisposition syndrome 2. Last evaluated: 2025-04-21. Review status: criteria provided, single submitter. Criteria: Invitae Variant Classification Sherloc (09022015). Collection method: clinical testing. Allele origin: germline.
Comment: This sequence change replaces isoleucine, which is neutral and non-polar, with threonine, which is neutral and polar, at codon 627 of the SMARCA4 protein (p.Ile627Thr). This variant is not present in population databases (gnomAD no frequency). This variant has not been reported in the literature in individuals affected with SMARCA4-related conditions. ClinVar contains an entry for this variant (Variation ID: 1039250). Invitae Evidence Modeling of protein sequence and biophysical properties (such as structural, functional, and spatial information, amino acid conservation, physicochemical variation, residue mobility, and thermodynamic stability) indicates that this missense variant is not expected to disrupt SMARCA4 protein function with a negative predictive value of 80%. In summary, the available evidence is currently insufficient to determine the role of this variant in disease. Therefore, it has been classified as a Variant of Uncertain Significance.